The following is an entry in ClinVar:

NM_004951.5(GPR183):c.169G>T (p.Val57Phe)

Genes: GPR183 (G protein-coupled receptor 183; minus strand), UBAC2 (UBA domain containing 2; plus strand). Cytogenetic location: 13q32.3.
Variant type: single nucleotide variant.
Coding change: c.169G>T on transcript NM_004951.5 (MANE Select); coding-DNA position 169, G replaced by T.
Protein change: p.Val57Phe; replaces valine 57 with phenylalanine.
Molecular consequence: missense variant. On other transcripts: intron variant (2).
Genome position (GRCh38, 1-based): chr13:99,295,977, C>A on the plus strand (G>T on the coding strand, the complement: GPR183 is on the minus strand). VCF-style: chr13-99295977-C-A. GRCh37 (hg19) VCF-style: chr13-99948231-C-A.
Other names: c.285-18120C>A (NM_177967.4); c.390-18120C>A (NM_001144072.2); short protein forms V57F.
Identifiers: ClinVar variation 5038947 (VCV005038947.1).
Genomic context (GRCh38, chr13:99,295,977, plus strand): 5'-CAGAAATCACCAAATTTGTTGAATAGAGGGTGGTAGAGTTGATTTTTTTCCTGTTTTGAA[C>A]AATGACGACCAAGGCTAGTAAGTTTCCCACGAGCCCAATGATGAAGACGAGGCTGTAATG-3'
Protein context (NP_004942.1, residues 47-67): VGNLLALVVI[Val57Phe]QNRKKINSTT

ClinVar aggregate classification (germline): Likely benign (1 of 4 stars; one submission).

Submission:

CeGaT Center for Human Genetics Tuebingen
Classification: Likely benign. Last evaluated: 2026-07-01. Review status: criteria provided, single submitter. Criteria: CeGaT Center For Human Genetics Tuebingen Variant Classification Criteria Version 2. Collection method: clinical testing. Allele origin: germline. Affected: yes. Observed: 1 variant allele.
Comment: GPR183: BP4